The following is an entry in ClinVar:

NM_001458.5(FLNC):c.7748T>C (p.Ile2583Thr)

Genes: FLNC-AS1 (FLNC antisense RNA 1; minus strand), FLNC (filamin C; plus strand). Cytogenetic location: 7q32.1.
Variant type: single nucleotide variant.
Coding change: c.7748T>C on transcript NM_001458.5 (MANE Select); coding-DNA position 7748, T replaced by C.
Protein change: p.Ile2583Thr; replaces isoleucine 2583 with threonine.
Molecular consequence: missense variant.
Genome position (GRCh38, 1-based): chr7:128,857,304, T>C. VCF-style: chr7-128857304-T-C. GRCh37 (hg19) VCF-style: chr7-128497358-T-C.
Other names: c.7649T>C, p.Ile2550Thr (NM_001127487.2); short protein forms I2550T, I2583T.
Identifiers: ClinVar variation 1760424 (VCV001760424.8), dbSNP rs1809108010, ClinGen allele CA369219911.

ClinVar aggregate classification (germline): Uncertain significance. Review status: criteria provided, multiple submitters, no conflicts (2 of 4 stars). 3 submissions from 3 submitters: Uncertain significance (3). Last evaluated 2026-07-14.

Conditions:
Distal myopathy with posterior leg and anterior hand involvement. Also called: WILLIAMS DISTAL MYOPATHY. Identifiers: Orphanet 63273, MedGen C3279722, MONDO:0013550, OMIM 614065.
Hypertrophic cardiomyopathy 26. Also called: Cardiomyopathy, familial hypertrophic, 26. Identifiers: Orphanet 75249, MedGen C4310749, MONDO:0014883, OMIM 617047.
Myofibrillar myopathy 5. Also called: Filaminopathy (type); FILAMINOPATHY, AUTOSOMAL DOMINANT. Identifiers: Orphanet 171445, MedGen C1836050, MONDO:0012289, OMIM 609524.
Cardiovascular phenotype. Identifiers: MedGen CN230736.

Allele frequency attached by ClinVar (database versions not stated): gnomAD 0.00001; TOPMed 0.00001.
gnomAD v4.1: 4 of 1,613,468 alleles (0.00025%); highest among the groups gnomAD compares: African/African-American, 0.0013%; no homozygotes.

Submissions (3):

Ambry Genetics
Classification: Uncertain significance for Cardiovascular phenotype. Last evaluated: 2026-07-14. Review status: criteria provided, single submitter. Criteria: Ambry Variant Classification Scheme 2023. Collection method: clinical testing. Allele origin: germline.

GeneDx
Classification: Uncertain significance. Last evaluated: 2025-04-27. Review status: criteria provided, single submitter. Criteria: GeneDx Variant Classification Process June 2021. Collection method: clinical testing. Allele origin: germline. Affected: yes.
Comment: Not observed at significant frequency in large population cohorts (gnomAD); In silico analysis supports that this missense variant has a deleterious effect on protein structure/function; Has not been previously published as pathogenic or benign to our knowledge

Labcorp Genetics (formerly Invitae), Labcorp
Classification: Uncertain significance for Distal myopathy with posterior leg and anterior hand involvement; Myofibrillar myopathy 5; Hypertrophic cardiomyopathy 26. Last evaluated: 2024-03-17. Review status: criteria provided, single submitter. Criteria: Invitae Variant Classification Sherloc (09022015). Collection method: clinical testing. Allele origin: germline.
Comment: This sequence change replaces isoleucine, which is neutral and non-polar, with threonine, which is neutral and polar, at codon 2583 of the FLNC protein (p.Ile2583Thr). This variant is not present in population databases (gnomAD no frequency). This variant has not been reported in the literature in individuals affected with FLNC-related conditions. ClinVar contains an entry for this variant (Variation ID: 1760424). Advanced modeling of protein sequence and biophysical properties (such as structural, functional, and spatial information, amino acid conservation, physicochemical variation, residue mobility, and thermodynamic stability) performed at Invitae indicates that this missense variant is not expected to disrupt FLNC protein function with a negative predictive value of 80%. In summary, the available evidence is currently insufficient to determine the role of this variant in disease. Therefore, it has been classified as a Variant of Uncertain Significance.